The following is an entry in ClinVar:

NM_006946.4(SPTBN2):c.1415C>T (p.Thr472Met)

Gene: SPTBN2 (spectrin beta, non-erythrocytic 2; minus strand). Cytogenetic location: 11q13.2.
Variant type: single nucleotide variant.
Coding change: c.1415C>T on transcript NM_006946.4 (MANE Select); coding-DNA position 1415, C replaced by T.
Protein change: p.Thr472Met; replaces threonine 472 with methionine.
Molecular consequence: missense variant.
Genome position (GRCh38, 1-based): chr11:66,707,754, G>A on the plus strand (C>T on the coding strand, the complement: SPTBN2 is on the minus strand). VCF-style: chr11-66707754-G-A. GRCh37 (hg19) VCF-style: chr11-66475225-G-A.
Other names: c.1436C>T, p.Thr479Met (NM_001411025.1); c.1415C>T (NM_006946.2); short protein forms T472M, T479M.
Identifiers: ClinVar variation 2049963 (VCV002049963.6), dbSNP rs561053672, ClinGen allele CA6129377.

ClinVar aggregate classification (germline): Uncertain significance. Review status: criteria provided, multiple submitters, no conflicts (2 of 4 stars). 3 submissions from 3 submitters: Uncertain significance (3). Last evaluated 2025-03-25.

Conditions:
SPTBN2-related disorder. Also called: SPTBN2-related condition.
Hereditary spastic paraplegia. Also called: Familial spastic paraparesis. Identifiers: Orphanet 685, MedGen C0037773, MONDO:0019064. Disease mechanism: loss of function.

Allele frequency attached by ClinVar (database versions not stated): gnomAD 0.00009; TOPMed 0.00009; gnomAD exomes 0.00010; ExAC 0.00012; 1000 Genomes Project 30x 0.00016; 1000 Genomes Project 0.00020.
gnomAD v4.1: 158 of 1,607,872 alleles (0.0098%); highest among the groups gnomAD compares: Admixed American, 0.013%; no homozygotes.

Submissions (3):

PreventionGenetics, part of Exact Sciences
Classification: Uncertain significance for SPTBN2-related condition. Last evaluated: 2025-03-25. Review status: criteria provided, single submitter. Criteria: ACMG Guidelines, 2015. Collection method: clinical testing. Allele origin: germline.
Comment: The SPTBN2 c.1415C>T variant is predicted to result in the amino acid substitution p.Thr472Met. This variant was reported to segregate among multiple individuals of a family with late-onset cerebellar ataxia (Cho et al. 2013. PubMed ID: 22843192). This variant is reported in 0.012% of alleles in individuals of European (Non-Finnish) descent in gnomAD, which is more common than other variants know to be pathogenic. At this time, the clinical significance of this variant is uncertain due to the absence of conclusive functional and genetic evidence.

Labcorp Genetics (formerly Invitae), Labcorp
Classification: Uncertain significance. Last evaluated: 2023-10-11. Review status: criteria provided, single submitter. Criteria: Invitae Variant Classification Sherloc (09022015). Collection method: clinical testing. Allele origin: germline.
Comment: This sequence change replaces threonine, which is neutral and polar, with methionine, which is neutral and non-polar, at codon 472 of the SPTBN2 protein (p.Thr472Met). This variant is present in population databases (rs561053672, gnomAD 0.01%). This missense change has been observed in individual(s) with cerebellar ataxia (PMID: 22843192). ClinVar contains an entry for this variant (Variation ID: 2049963). Advanced modeling of protein sequence and biophysical properties (such as structural, functional, and spatial information, amino acid conservation, physicochemical variation, residue mobility, and thermodynamic stability) performed at Invitae indicates that this missense variant is expected to disrupt SPTBN2 protein function. In summary, the available evidence is currently insufficient to determine the role of this variant in disease. Therefore, it has been classified as a Variant of Uncertain Significance.

Cambridge Genomics Laboratory, East Genomic Laboratory Hub, NHS Genomic Medicine Service
Classification: Uncertain significance for Hereditary spastic paraplegia. Last evaluated: 2019-04-17. Review status: criteria provided, single submitter. Criteria: ACGS Best Practice Guidelines for Variant Classification in Rare Disease 2020. Collection method: clinical testing. Allele origin: germline. Affected: yes. Observed: 1 variant allele.

Literature cited by the submitters: PubMed 22843192 (cited by Labcorp Genetics (formerly Invitae), Labcorp).